The following is an entry in ClinVar:

NM_006846.4(SPINK5):c.3130G>A (p.Gly1044Arg)

Gene: SPINK5 (serine peptidase inhibitor Kazal type 5; plus strand). Cytogenetic location: 5q32.
Variant type: single nucleotide variant.
Coding change: c.3130G>A on transcript NM_006846.4 (MANE Select); coding-DNA position 3130, G replaced by A.
Protein change: p.Gly1044Arg; replaces glycine 1044 with arginine.
Molecular consequence: missense variant.
Genome position (GRCh38, 1-based): chr5:148,133,831, G>A. VCF-style: chr5-148133831-G-A. GRCh37 (hg19) VCF-style: chr5-147513394-G-A.
Other names: c.3220G>A, p.Gly1074Arg (NM_001127698.2); short protein forms G1074R, G1044R.
Identifiers: ClinVar variation 1468773 (VCV001468773.8), dbSNP rs749921895, ClinGen allele CA3496259.
Genomic context (GRCh38, chr5:148,133,831, plus strand): 5'-TTGAAGCATCCTCTGATCTGTTTTAGGATACGCCAAACAAATACACACATCCGCAGTACA[G>A]GGAAGTGTGAGGAGAGCAGCACCCCAGGAACCACCGCAGCCAGCATGCCCCCGTCTGTAA-3'
Protein context (NP_006837.2, residues 1034-1054): RQTNTHIRST[Gly1044Arg]KCEESSTPGT

ClinVar aggregate classification (germline): Uncertain significance (1 of 4 stars; one submission).

Conditions:
Ichthyosis linearis circumflexa. Identifiers: MedGen C0265962, MONDO:0043106, HP:0025810.

Allele frequency attached by ClinVar (database versions not stated): ExAC 0.00002; gnomAD exomes 0.00002 and 0.00003.
gnomAD v4.1: 17 of 1,614,048 alleles (0.0011%); highest among the groups gnomAD compares: South Asian, 0.018%; 1 homozygote.

Submission:

Labcorp Genetics (formerly Invitae), Labcorp
Classification: Uncertain significance for Ichthyosis linearis circumflexa. Last evaluated: 2022-07-19. Review status: criteria provided, single submitter. Criteria: Invitae Variant Classification Sherloc (09022015). Collection method: clinical testing. Allele origin: germline.
Comment: This variant is present in population databases (rs749921895, gnomAD 0.02%). This sequence change replaces glycine, which is neutral and non-polar, with arginine, which is basic and polar, at codon 1044 of the SPINK5 protein (p.Gly1044Arg). This variant has not been reported in the literature in individuals affected with SPINK5-related conditions. ClinVar contains an entry for this variant (Variation ID: 1468773). Algorithms developed to predict the effect of missense changes on protein structure and function are either unavailable or do not agree on the potential impact of this missense change (SIFT: "Deleterious"; PolyPhen-2: "Probably Damaging"; Align-GVGD: "Class C15"). In summary, the available evidence is currently insufficient to determine the role of this variant in disease. Therefore, it has been classified as a Variant of Uncertain Significance.